The following is an entry in ClinVar:

ClinVar aggregate classification (germline): Likely benign (1 of 4 stars; one submission).

Allele frequency attached by ClinVar (database versions not stated): 1000 Genomes Project 0.00159; gnomAD 0.00183; 1000 Genomes Project 30x 0.00208; ESP Exome Variant Server 0.00237.

Submission:

CeGaT Center for Human Genetics Tuebingen
Classification: Likely benign. Last evaluated: 2023-02-01. Review status: criteria provided, single submitter. Criteria: CeGaT Center For Human Genetics Tuebingen Variant Classification Criteria Version 2. Collection method: clinical testing. Allele origin: germline. Affected: yes. Observed: 1 variant allele.
Comment: SPANXD: BP4, BS2

NM_032417.4(SPANXD):c.7A>G (p.Lys3Glu)

Gene: SPANXD (SPANX family member D; minus strand). Cytogenetic location: Xq27.2.
Variant type: single nucleotide variant.
Coding change: c.7A>G on transcript NM_032417.4 (MANE Select); coding-DNA position 7, A replaced by G.
Protein change: p.Lys3Glu; replaces lysine 3 with glutamic acid.
Molecular consequence: missense variant.
Genome position (GRCh38, 1-based): chrX:141,698,399, T>C on the plus strand (A>G on the coding strand, the complement: SPANXD is on the minus strand). VCF-style: chrX-141698399-T-C. GRCh37 (hg19) VCF-style: chrX-140786556-T-C.
Other names: short protein forms K3E.
Identifiers: ClinVar variation 2661550 (VCV002661550.24), dbSNP rs147430305, ClinGen allele CA10532408.
Genomic context (GRCh38, chrX:141,698,399, plus strand): 5'-CGTTGGCCTCGTTGGAATCACAGGGGACGCTCCTCTTCACCCCGCCGGCACTGGATTGTT[T>C]GTCCATTGTATATATTGGTTCTTCAATGTCAGCGGCAGGCTTTTGTAGGTTTTGAATCTT-3'
Protein context (NP_115793.1, residues 1-13): MD[Lys3Glu]QSSAGGVKRS